The following is an entry in ClinVar:

ClinVar aggregate classification (germline): Pathogenic (1 of 4 stars; one submission).

Conditions:
Achondrogenesis, type IA (ACG1A). Identifiers: Orphanet 932, Orphanet 93299, MedGen C0265273, MONDO:0008701, OMIM 200600.

Submission:

Labcorp Genetics (formerly Invitae), Labcorp
Classification: Pathogenic for Achondrogenesis, type IA. Last evaluated: 2023-11-08. Review status: criteria provided, single submitter. Criteria: Invitae Variant Classification Sherloc (09022015). Collection method: clinical testing. Allele origin: germline.
Comment: This sequence change creates a premature translational stop signal (p.Ile315Argfs*4) in the TRIP11 gene. It is expected to result in an absent or disrupted protein product. Loss-of-function variants in TRIP11 are known to be pathogenic (PMID: 20089971, 23956106). This variant is not present in population databases (gnomAD no frequency). This variant has not been reported in the literature in individuals affected with TRIP11-related conditions. For these reasons, this variant has been classified as Pathogenic.

Literature cited by the submitters: PubMed 20089971; PubMed 23956106.

NM_004239.4(TRIP11):c.944_948del (p.Ile315fs)

Gene: TRIP11 (thyroid hormone receptor interactor 11; minus strand). Cytogenetic location: 14q32.12.
Variant type: Microsatellite.
Coding change: c.944_948del on transcript NM_004239.4 (MANE Select); coding-DNA positions 944 to 948, 5 bases deleted (TAAAA; older notation c.944_948delTAAAA).
Protein change: p.Ile315fs; shifts the reading frame from isoleucine 315.
Molecular consequence: frameshift variant.
Genome position (GRCh38, 1-based): chr14:92,014,453-92,014,457, TTTTA deleted on the plus strand (TAAAA on the coding strand, the reverse complement: TRIP11 is on the minus strand); deleting any 5 consecutive bases within chr14:92,014,453-92,014,463 gives the same sequence; the c. name uses the placement nearest the transcript's 3' end. VCF-style (leftmost placement, unchanged base first): chr14-92014452-CTTTTA-C. GRCh37 (hg19) VCF-style: chr14-92480796-CTTTTA-C.
Other names: c.941_945del, p.Ile314fs (NM_001321851.1); short protein forms I314fs, I315fs.
Identifiers: ClinVar variation 2768141 (VCV002768141.3), dbSNP rs2543059288, ClinGen allele CA2697554098.
Genomic context (GRCh38, chr14:92,014,452, plus strand): 5'-CTTGTTCTCTCCTCAAAATATCTCTGTCATTTTCTGCAGAAGATAATTTTTTATTTATAT[CTTTTA>C]TTTTATCCTCAAGTTGTTCCATTTTTTTGGTAGACTCCACTTTTTCTATTTGTAGAACTT-3'